The following is an entry in ClinVar:

NM_015355.4(SUZ12):c.98C>T (p.Ala33Val)

Gene: SUZ12 (SUZ12 polycomb repressive complex 2 subunit; plus strand). Cytogenetic location: 17q11.2.
Variant type: single nucleotide variant.
Coding change: c.98C>T on transcript NM_015355.4 (MANE Select); coding-DNA position 98, C replaced by T.
Protein change: p.Ala33Val; replaces alanine 33 with valine.
Molecular consequence: missense variant.
Genome position (GRCh38, 1-based): chr17:31,937,344, C>T. VCF-style: chr17-31937344-C-T. GRCh37 (hg19) VCF-style: chr17-30264363-C-T.
Other names: c.98C>T, p.Ala33Val (NM_001321207.2); short protein forms A33V.
Identifiers: ClinVar variation 3067301 (VCV003067301.21), dbSNP rs997333005, ClinGen allele CA289421304.

ClinVar aggregate classification (germline): Likely benign (1 of 4 stars; one submission).

Allele frequency attached by ClinVar (database versions not stated): gnomAD 0.00022; TOPMed 0.00023; gnomAD exomes 0.00036.
gnomAD v4.1: 500 of 1,480,830 alleles (0.034%); highest among the groups gnomAD compares: Non-Finnish European, 0.042%; no homozygotes.

Submission:

CeGaT Center for Human Genetics Tuebingen
Classification: Likely benign. Last evaluated: 2025-07-01. Review status: criteria provided, single submitter. Criteria: CeGaT Center For Human Genetics Tuebingen Variant Classification Criteria Version 2. Collection method: clinical testing. Allele origin: germline. Affected: yes. Observed: 2 variant alleles.
Comment: SUZ12: BS1